The following is an entry in ClinVar:

NM_000709.4(BCKDHA):c.955del (p.Ala319fs)

Gene: BCKDHA (branched chain keto acid dehydrogenase E1 subunit alpha; plus strand). Cytogenetic location: 19q13.2.
Variant type: Deletion.
Coding change: c.955del on transcript NM_000709.4 (MANE Select); coding-DNA position 955, one base deleted (G; older notation c.955delG).
Protein change: p.Ala319fs; shifts the reading frame from alanine 319.
Molecular consequence: frameshift variant.
Genome position (GRCh38, 1-based): chr19:41,422,730, G deleted; the last of 2 consecutive G bases (chr19:41,422,729-41,422,730); deleting either gives the same sequence. VCF-style (leftmost placement, unchanged base first): chr19-41422728-TG-T. GRCh37 (hg19) VCF-style: chr19-41928633-TG-T.
Other names: c.952del, p.Ala318fs (NM_001164783.2); short protein forms A318fs, A319fs.
Identifiers: ClinVar variation 1726245 (VCV001726245.2), dbSNP rs2513460533, ClinGen allele CA2580097305.

ClinVar aggregate classification (germline): Likely pathogenic (1 of 4 stars; one submission).

Conditions:
Maple syrup urine disease (MSUD). Identifiers: Orphanet 511, MedGen C0024776, MeSH D008375, MONDO:0009563. Disease mechanism: loss of function.

Submission:

Myriad Genetics, Inc.
Classification: Likely pathogenic for Maple syrup urine disease type 1A. Last evaluated: 2022-05-30. Review status: criteria provided, single submitter. Criteria: Myriad Women's Health Autosomal Recessive and X-Linked Classification Criteria (2021). Collection method: clinical testing. Allele origin: unknown.
Comment: NM_000709.3(BCKDHA):c.955delG(A319Qfs*11) is expected to be pathogenic in the context of maple syrup urine disease type Ia. This variant is predicted to lead to an abnormal or absent protein product due to the creation of a premature termination codon in BCKDHA, a gene where loss-of-function variants are known to be pathogenic. Please note: this variant was assessed in the context of healthy population screening.